The following is an entry in ClinVar:

NM_001048174.2(MUTYH):c.1024G>C (p.Glu342Gln)

Gene: MUTYH (mutY DNA glycosylase; minus strand). Cytogenetic location: 1p34.1.
Variant type: single nucleotide variant.
Coding change: c.1024G>C on transcript NM_001048174.2 (MANE Select); coding-DNA position 1024, G replaced by C.
Protein change: p.Glu342Gln; replaces glutamic acid 342 with glutamine.
Molecular consequence: missense variant. On other transcripts: non-coding transcript variant (7).
Genome position (GRCh38, 1-based): chr1:45,331,739, C>G on the plus strand (G>C on the coding strand, the complement: MUTYH is on the minus strand). VCF-style: chr1-45331739-C-G. GRCh37 (hg19) VCF-style: chr1-45797411-C-G.
Other names: c.1066G>C, p.Glu356Gln (NM_001407085.1, NM_001407083.1); c.1057G>C, p.Glu353Gln (NM_001293191.2, NM_001407069.1, NM_001407077.1); c.748G>C, p.Glu250Gln (NM_001293192.2, NM_001293196.2, NM_001407091.1); c.1024G>C, p.Glu342Gln (NM_001293195.2, NM_001407070.1, NM_001407088.1 and 6 more transcripts); c.679G>C, p.Glu227Gln (NM_001350650.2, NM_001350651.2, NM_001407082.1); c.1027G>C, p.Glu343Gln (NM_001407071.1, NM_001407086.1, NM_001048172.2 and 1 more transcripts); c.1045G>C, p.Glu349Gln (NM_001407087.1); c.1099G>C, p.Glu367Gln (NM_012222.3); and 5 more; short protein forms E227Q, E328Q, E343Q, E370Q, E329Q, E342Q, E250Q, E356Q.
Identifiers: ClinVar variation 4113019 (VCV004113019.1).

ClinVar aggregate classification (germline): Uncertain significance (1 of 4 stars; one submission).

Conditions:
Hereditary cancer-predisposing syndrome. Also called: Tumor predisposition; Neoplastic Syndromes, Hereditary; Hereditary neoplastic syndrome; Hereditary Cancer Syndrome. Identifiers: Orphanet 140162, MedGen C0027672, MeSH D009386, MONDO:0015356.

Submission:

Ambry Genetics
Classification: Uncertain significance for Hereditary cancer-predisposing syndrome. Last evaluated: 2025-08-27. Review status: criteria provided, single submitter. Criteria: Ambry Variant Classification Scheme 2023. Collection method: clinical testing. Allele origin: germline.
Comment: The p.E370Q variant (also known as c.1108G>C), located in coding exon 12 of the MUTYH gene, results from a G to C substitution at nucleotide position 1108. The glutamic acid at codon 370 is replaced by glutamine, an amino acid with highly similar properties. This amino acid position is conserved. In addition, this alteration is predicted to be tolerated by in silico analysis. Based on the available evidence, the clinical significance of this variant remains unclear.